The following is an entry in ClinVar:

ClinVar aggregate classification (germline): Uncertain significance (1 of 4 stars; one submission).

Submission:

GeneDx
Classification: Uncertain significance. Last evaluated: 2025-07-28. Review status: criteria provided, single submitter. Criteria: GeneDx Variant Classification Process June 2021. Collection method: clinical testing. Allele origin: germline. Affected: yes.
Comment: Not observed at significant frequency in large population cohorts (gnomAD); In silico analysis suggests that this missense variant does not alter protein structure/function; Has not been previously published as pathogenic or benign to our knowledge

NM_001379451.1(BCORL1):c.949A>G (p.Ile317Val)

Gene: BCORL1 (BCL6 corepressor like 1; plus strand). Cytogenetic location: Xq26.1.
Variant type: single nucleotide variant.
Coding change: c.949A>G on transcript NM_001379451.1 (MANE Select); coding-DNA position 949, A replaced by G.
Protein change: p.Ile317Val; replaces isoleucine 317 with valine.
Molecular consequence: missense variant.
Genome position (GRCh38, 1-based): chrX:130,013,721, A>G. VCF-style: chrX-130013721-A-G. GRCh37 (hg19) VCF-style: chrX-129147697-A-G.
Other names: c.949A>G, p.Ile317Val (NM_001184772.3, NM_001379450.1, NM_001441326.1 and 7 more transcripts); short protein forms I317V.
Identifiers: ClinVar variation 4690077 (VCV004690077.1).